The following is an entry in ClinVar:

ClinVar aggregate classification (germline): Pathogenic/Likely pathogenic. Review status: criteria provided, multiple submitters, no conflicts (2 of 4 stars). 5 submissions from 5 submitters: Pathogenic (1); Likely pathogenic (3). 1 of the submissions does not count toward it. Last evaluated 2026-02-11.

Conditions:
Trichomegaly-retina pigmentary degeneration-dwarfism syndrome (OMCS). Also called: Oliver-McFarlane Syndrome (OMCS); Eyelashes long mental retardation; Trichomegaly retina pigmentary degeneration dwarfism; OLIVER-MCFARLANE SYNDROME. Identifiers: Orphanet 3363, MedGen C1848745, MONDO:0010152, OMIM 275400.
Retinal dystrophy. Also called: Inherited retinal dystrophy. Identifiers: Orphanet 71862, MedGen C0854723, MeSH D058499, MONDO:0019118, HP:0000556.
Hereditary spastic paraplegia 39 (SPG39). Also called: Spastic Paraplegia Type 39 (SPG39); SPASTIC PARAPLEGIA 39, AUTOSOMAL RECESSIVE. Identifiers: Orphanet 139480, MedGen C2677586, MONDO:0012787, OMIM 612020.

Allele frequency attached by ClinVar (database versions not stated): gnomAD exomes 0.00002; ESP Exome Variant Server 0.00008; ExAC 0.00002; TOPMed 0.00004.
gnomAD v4.1: 24 of 1,614,076 alleles (0.0015%); highest among the groups gnomAD compares: African/African-American, 0.004%; no homozygotes.

Submissions (5):

GeneDx
Classification: Pathogenic. Last evaluated: 2026-02-11. Review status: criteria provided, single submitter. Criteria: GeneDx Variant Classification Process June 2021. Collection method: clinical testing. Allele origin: germline.
Comment: Published functional studies demonstrate a damaging effect and show reduced enzymatic function with a significant decrease in NTE activity (PMID: 38735647, 25480986); In silico analysis supports that this missense variant has a deleterious effect on protein structure/function; Not observed at significant frequency in large population cohorts (gnomAD); Also known as p.G1176S; This variant is associated with the following publications: (PMID: 25480986, 38735647)

Labcorp Genetics (formerly Invitae), Labcorp
Classification: Likely pathogenic for Hereditary spastic paraplegia 39. Last evaluated: 2025-03-31. Review status: criteria provided, single submitter. Criteria: Invitae Variant Classification Sherloc (09022015). Collection method: clinical testing. Allele origin: germline.
Comment: This sequence change replaces glycine, which is neutral and non-polar, with serine, which is neutral and polar, at codon 1128 of the PNPLA6 protein (p.Gly1128Ser). This variant is present in population databases (rs142422525, gnomAD 0.01%). This missense change has been observed in individual(s) with Oliver-McFarlane syndrome (PMID: 25480986). It has also been observed to segregate with disease in related individuals. This variant is also known as p.Gly1176Ser. ClinVar contains an entry for this variant (Variation ID: 183692). Invitae Evidence Modeling of protein sequence and biophysical properties (such as structural, functional, and spatial information, amino acid conservation, physicochemical variation, residue mobility, and thermodynamic stability) indicates that this missense variant is expected to disrupt PNPLA6 protein function with a positive predictive value of 80%. In summary, the currently available evidence indicates that the variant is pathogenic, but additional data are needed to prove that conclusively. Therefore, this variant has been classified as Likely Pathogenic.

Institute of Human Genetics, Univ. Regensburg, Univ. Regensburg
Classification: Likely pathogenic for Retinal dystrophy. Last evaluated: 2022-01-01. Review status: criteria provided, single submitter. Criteria: ACMG Guidelines, 2015. Collection method: clinical testing. Allele origin: germline. Affected: yes.

Institute of Medical Genetics and Applied Genomics, University Hospital Tübingen
Classification: Likely pathogenic. Last evaluated: 2020-10-23. Review status: criteria provided, single submitter. Criteria: ACMG Guidelines, 2015. Collection method: clinical testing. Allele origin: germline. Inheritance: Unknown mechanism. Affected: yes.

OMIM
Classification: Pathogenic for OLIVER-MCFARLANE SYNDROME. Last evaluated: 2015-02-01. Review status: no assertion criteria provided. Collection method: literature only. Allele origin: germline. Not counted in ClinVar's aggregate classification.

Literature cited by the submitters: PubMed 25480986 (cited by 3 submitters); PubMed 38735647 (cited by OMIM).

NM_001166114.2(PNPLA6):c.3496G>A (p.Gly1166Ser)

Gene: PNPLA6 (patatin like domain 6, lysophospholipase; plus strand). Cytogenetic location: 19p13.2.
Variant type: single nucleotide variant.
Coding change: c.3496G>A on transcript NM_001166114.2 (MANE Select); coding-DNA position 3496, G replaced by A.
Protein change: p.Gly1166Ser; replaces glycine 1166 with serine.
Molecular consequence: missense variant.
Genome position (GRCh38, 1-based): chr19:7,558,948, G>A. VCF-style: chr19-7558948-G-A. GRCh37 (hg19) VCF-style: chr19-7623834-G-A.
Other names: PNPLA6, GLY1176SER (rs142422525); c.3526G>A, p.Gly1176Ser (NM_001166111.2); c.3301G>A, p.Gly1101Ser (NM_001166112.2); c.3382G>A, p.Gly1128Ser (NM_001166113.1, NM_006702.5); short protein forms G1176S, G1128S, G1101S, G1166S.
Identifiers: ClinVar variation 183692 (VCV000183692.17), dbSNP rs142422525, ClinGen allele CA186150.
Genomic context (GRCh38, chr19:7,558,948, plus strand): 5'-GCCATTGACGTGGGGAGCCAGGATGAGACGGACCTCAGCACCTACGGGGACAGCCTGTCC[G>A]GCTGGTGGCTGCTGTGGAAGCGGCTGAATCCCTGGGCTGACAAGGTAAAGGTTCCAGACA-3'
Protein context (NP_001159586.1, residues 1156-1176): DLSTYGDSLS[Gly1166Ser]WWLLWKRLNP